The following is an entry in ClinVar:

ClinVar aggregate classification (germline): Pathogenic (1 of 4 stars; one submission).

Conditions:
Spastic paraplegia. Identifiers: MedGen C0037772, HP:0001258.

Submission:

Labcorp Genetics (formerly Invitae), Labcorp
Classification: Pathogenic for Spastic paraplegia. Last evaluated: 2021-02-04. Review status: criteria provided, single submitter. Criteria: Invitae Variant Classification Sherloc (09022015). Collection method: clinical testing. Allele origin: germline.
Comment: For these reasons, this variant has been classified as Pathogenic. Advanced modeling of protein sequence and biophysical properties (such as structural, functional, and spatial information, amino acid conservation, physicochemical variation, residue mobility, and thermodynamic stability) performed at Invitae indicates that this missense variant is expected to disrupt SLC16A2 protein function. This variant has been observed in individual(s) with clinical features of SLC16A2-related conditions (Invitae). In at least one individual the variant was inherited from an unaffected parent who was apparently germline mosaic (Invitae). This variant is not present in population databases (ExAC no frequency). This sequence change replaces glycine with aspartic acid at codon 398 of the SLC16A2 protein (p.Gly398Asp). The glycine residue is highly conserved and there is a moderate physicochemical difference between glycine and aspartic acid.

NM_006517.5(SLC16A2):c.1193G>A (p.Gly398Asp)

Gene: SLC16A2 (solute carrier family 16 member 2; plus strand). Cytogenetic location: Xq13.2.
Variant type: single nucleotide variant.
Coding change: c.1193G>A on transcript NM_006517.5 (MANE Select); coding-DNA position 1193, G replaced by A.
Protein change: p.Gly398Asp; replaces glycine 398 with aspartic acid.
Molecular consequence: missense variant.
Genome position (GRCh38, 1-based): chrX:74,529,235, G>A. VCF-style: chrX-74529235-G-A. GRCh37 (hg19) VCF-style: chrX-73749070-G-A.
Other names: short protein forms G398D.
Identifiers: ClinVar variation 1453369 (VCV001453369.8), dbSNP rs2147871831, ClinGen allele CA413658204.